The following is an entry in ClinVar:

NM_022370.4(ROBO3):c.1027G>A (p.Val343Ile)

Gene: ROBO3 (roundabout guidance receptor 3; plus strand). Cytogenetic location: 11q24.2.
Variant type: single nucleotide variant.
Coding change: c.1027G>A on transcript NM_022370.4 (MANE Select); coding-DNA position 1027, G replaced by A.
Protein change: p.Val343Ile; replaces valine 343 with isoleucine.
Molecular consequence: missense variant.
Genome position (GRCh38, 1-based): chr11:124,870,722, G>A. VCF-style: chr11-124870722-G-A. GRCh37 (hg19) VCF-style: chr11-124740618-G-A.
Other names: short protein forms V343I.
Identifiers: ClinVar variation 1878751 (VCV001878751.1), dbSNP rs370980680, ClinGen allele CA6343373.

ClinVar aggregate classification (germline): Uncertain significance (1 of 4 stars; one submission).

Allele frequency attached by ClinVar (database versions not stated): gnomAD exomes 0.00001; gnomAD 0.00003; TOPMed 0.00003; ExAC 0.00005; 1000 Genomes Project 30x 0.00016; 1000 Genomes Project 0.00020.
gnomAD v4.1: 50 of 1,611,262 alleles (0.0031%); highest among the groups gnomAD compares: East Asian, 0.038%; no homozygotes.

Submission:

GeneDx
Classification: Uncertain significance. Last evaluated: 2022-07-14. Review status: criteria provided, single submitter. Criteria: GeneDx Variant Classification Process June 2021. Collection method: clinical testing. Allele origin: germline. Affected: yes.
Comment: In silico analysis supports that this missense variant does not alter protein structure/function; Has not been previously published as pathogenic or benign to our knowledge